The following is an entry in ClinVar:

NM_001845.6(COL4A1):c.3857C>A (p.Pro1286His)

Gene: COL4A1 (collagen type IV alpha 1 chain; minus strand). Cytogenetic location: 13q34.
Variant type: single nucleotide variant.
Coding change: c.3857C>A on transcript NM_001845.6 (MANE Select); coding-DNA position 3857, C replaced by A.
Protein change: p.Pro1286His; replaces proline 1286 with histidine.
Molecular consequence: missense variant.
Genome position (GRCh38, 1-based): chr13:110,169,648, G>T on the plus strand (C>A on the coding strand, the complement: COL4A1 is on the minus strand). VCF-style: chr13-110169648-G-T. GRCh37 (hg19) VCF-style: chr13-110821995-G-T.
Other names: short protein forms P1286H.
Identifiers: ClinVar variation 422462 (VCV000422462.5), dbSNP rs1064795795, ClinGen allele CA16619610.
Genomic context (GRCh38, chr13:110,169,648, plus strand): 5'-AGACTCCTTTAAAAATAAAAATCTACAAATCAATAACTCACAGGCATGCCCTGGAATCCA[G>T]GGTCTCCCTTGGGCCCTGGGACACCGGGTGCTCCTGGCCAGCCTGGATTTCCTTTGTCAC-3'
Protein context (NP_001836.3, residues 1276-1296): APGVPGPKGD[Pro1286His]GFQGMPGIGG

ClinVar aggregate classification (germline): Uncertain significance. Review status: criteria provided, multiple submitters, no conflicts (2 of 4 stars). 2 submissions from 2 submitters: Uncertain significance (2). Last evaluated 2023-02-16.

gnomAD v4.1: 1 of 1,614,052 alleles (0.000062%); no homozygotes.

Submissions (2):

Labcorp Genetics (formerly Invitae), Labcorp
Classification: Uncertain significance. Last evaluated: 2023-02-16. Review status: criteria provided, single submitter. Criteria: Invitae Variant Classification Sherloc (09022015). Collection method: clinical testing. Allele origin: germline.
Comment: This sequence change replaces proline, which is neutral and non-polar, with histidine, which is basic and polar, at codon 1286 of the COL4A1 protein (p.Pro1286His). In summary, the available evidence is currently insufficient to determine the role of this variant in disease. Therefore, it has been classified as a Variant of Uncertain Significance. An algorithm developed to predict the effect of missense changes on protein structure and function (PolyPhen-2) suggests that this variant is likely to be disruptive. ClinVar contains an entry for this variant (Variation ID: 422462). This variant has not been reported in the literature in individuals affected with COL4A1-related conditions. This variant is not present in population databases (gnomAD no frequency).

GeneDx
Classification: Uncertain significance. Last evaluated: 2016-10-19. Review status: criteria provided, single submitter. Criteria: GeneDx Variant Classification (06012015). Collection method: clinical testing. Allele origin: germline. Affected: yes.
Comment: The P1286H variant in the COL4A1 gene has not been reported previously in a peer reviewed journal as a pathogenic variant, nor as a benign variant, to our knowledge. However, in an abstract by Wagner et al. (2014), the P1286H variant was reported in a patient with clinical findings of Walker-Warburg syndrome. The P1286H variant was not observed in approximately 6500 individuals of European and African American ancestry in the NHLBI Exome Sequencing Project, indicating it is not a common benign variant in these populations. The P1286H variant is a non-conservative amino acid substitution, which is likely to impact secondary protein structure as these residues differ in polarity, charge, size and/or other properties. This substitution occurs at a position within the collagen triple-helical region containing Gly-X-Y repeats, however, it occurs at a non-Glycine residue that is not conserved across species. In silico analysis predicts this variant is probably damaging to the protein structure/function. Based on review of the data in the context of the 2015 ACMG standards and guidelines for the interpretation of sequence variants (Richards et al., 2015), we now interpret P1286H as a variant of uncertain significance.